The following is an entry in ClinVar:

NM_024854.5(PYROXD1):c.892_895del (p.Val298fs)

Gene: PYROXD1 (pyridine nucleotide-disulphide oxidoreductase domain 1; plus strand). Cytogenetic location: 12p12.1.
Variant type: Deletion.
Coding change: c.892_895del on transcript NM_024854.5 (MANE Select); coding-DNA positions 892 to 895, 4 bases deleted (GTCT; older notation c.892_895delGTCT).
Protein change: p.Val298fs; shifts the reading frame from valine 298.
Molecular consequence: frameshift variant.
Genome position (GRCh38, 1-based): chr12:21,462,019-21,462,022, GTCT deleted; deleting any 4 consecutive bases within chr12:21,462,017-21,462,022 gives the same sequence; the c. name uses the placement nearest the transcript's 3' end. VCF-style (leftmost placement, unchanged base first): chr12-21462016-CCTGT-C. GRCh37 (hg19) VCF-style: chr12-21614950-CCTGT-C.
Other names: NM_024854.5(PYROXD1):c.892_895del; p.Val298fs; c.679_682del, p.Val227fs (NM_001350912.2); c.115_118del, p.Val39fs (NM_001350913.2); short protein forms V298fs, V227fs, V39fs.
Identifiers: ClinVar variation 1452765 (VCV001452765.6), dbSNP rs757103085, ClinGen allele CA6478389.

ClinVar aggregate classification (germline): Pathogenic/Likely pathogenic. Review status: criteria provided, multiple submitters, no conflicts (2 of 4 stars). 2 submissions from 2 submitters: Pathogenic (1); Likely pathogenic (1). Last evaluated 2025-04-14.

Conditions:
Myofibrillar myopathy 8. Identifiers: MedGen C4310645, MONDO:0014993, OMIM 617258.

Submissions (2):

Labcorp Genetics (formerly Invitae), Labcorp
Classification: Pathogenic. Last evaluated: 2025-04-14. Review status: criteria provided, single submitter. Criteria: Invitae Variant Classification Sherloc (09022015). Collection method: clinical testing. Allele origin: germline.
Comment: This sequence change creates a premature translational stop signal (p.Val298Metfs*4) in the PYROXD1 gene. It is expected to result in an absent or disrupted protein product. Loss-of-function variants in PYROXD1 are known to be pathogenic (PMID: 27745833). This variant is present in population databases (rs757103085, gnomAD 0.01%). This variant has not been reported in the literature in individuals affected with PYROXD1-related conditions. ClinVar contains an entry for this variant (Variation ID: 1452765). For these reasons, this variant has been classified as Pathogenic.

Broad Center for Mendelian Genomics, Broad Institute of MIT and Harvard
Classification: Likely pathogenic for Myofibrillar myopathy 8. Last evaluated: 2023-01-25. Review status: criteria provided, single submitter. Criteria: ACMG Guidelines, 2015. Collection method: curation. Allele origin: germline. Inheritance: Autosomal recessive inheritance.
Comment: Trio genome analysis confirmed that this variant was in trans with a pathogenic variant (ClinVar Variation ID: 372280). The p.Val298MetfsTer4 variant in PYROXD1 has not been previously reported in individuals with myofibrillar myopathy 8, but has been identified in 0.01% (4/35188) of Latino/Admixed American chromosomes by the Genome Aggregation Database (gnomAD; dbSNP ID: rs757103085). Although this variant has been seen in the general population in a heterozygous state, its frequency is not high enough to rule out a pathogenic role. This variant has also been reported in ClinVar (Variation ID: 1452765) and has been interpreted as pathogenic by Invitae. This variant is predicted to cause a frameshift, which alters the protein‚Äôs amino acid sequence beginning at position 298 and leads to a premature termination codon 4 amino acids downstream. This alteration is then predicted to lead to a truncated or absent protein. Loss of function of the PYROXD1 gene is an established disease mechanism of autosomal recessive myofibrillar myopathy 8. In summary, although additional studies are required to fully establish its clinical significance, this variant is likely pathogenic for autosomal recessive myofibrillar myopathy 8. ACMG/AMP Criteria applied: PVS1, PM3 (Richards 2015).

Literature cited by the submitters: PubMed 27745833 (cited by Labcorp Genetics (formerly Invitae), Labcorp).